The following is an entry in ClinVar:

NM_000057.4(BLM):c.59C>T (p.Thr20Ile)

Gene: BLM (BLM RecQ like helicase; plus strand). Cytogenetic location: 15q26.1.
Variant type: single nucleotide variant.
Coding change: c.59C>T on transcript NM_000057.4 (MANE Select); coding-DNA position 59, C replaced by T.
Protein change: p.Thr20Ile; replaces threonine 20 with isoleucine.
Molecular consequence: missense variant. On other transcripts: 5 prime UTR variant (1).
Genome position (GRCh38, 1-based): chr15:90,747,451, C>T. VCF-style: chr15-90747451-C-T. GRCh37 (hg19) VCF-style: chr15-91290681-C-T.
Other names: c.59C>T, p.Thr20Ile (NM_001287246.2, NM_001287247.2); c.-1233C>T (NM_001287248.2); short protein forms T20I.
Identifiers: ClinVar variation 1750966 (VCV001750966.2), dbSNP rs1895534435, ClinGen allele CA393838927.
Genomic context (GRCh38, chr15:90,747,451, plus strand): 5'-TTATGGCTGCTGTTCCTCAAAATAATCTACAGGAGCAACTAGAACGTCACTCAGCCAGAA[C>T]ACTTAATAATAAATTAAGTCTTTCAAAACCAAAATTTTCGTAAGTGTTTTGACTGGTTTG-3'
Protein context (NP_000048.1, residues 10-30): QEQLERHSAR[Thr20Ile]LNNKLSLSKP

ClinVar aggregate classification (germline): Uncertain significance (1 of 4 stars; one submission).

Conditions:
Hereditary cancer-predisposing syndrome. Also called: Hereditary Cancer Syndrome; Hereditary neoplastic syndrome; Neoplastic Syndromes, Hereditary; Tumor predisposition. Identifiers: Orphanet 140162, MedGen C0027672, MeSH D009386, MONDO:0015356.

Allele frequency attached by ClinVar (database versions not stated): gnomAD 0.00001.
gnomAD v4.1: 1 of 1,610,854 alleles (0.000062%); highest among the groups gnomAD compares: African/African-American, 0.0013%; no homozygotes.

Submission:

Ambry Genetics
Classification: Uncertain significance for Hereditary cancer-predisposing syndrome. Last evaluated: 2022-02-06. Review status: criteria provided, single submitter. Criteria: Ambry Variant Classification Scheme 2023. Collection method: clinical testing. Allele origin: germline.
Comment: The p.T20I variant (also known as c.59C>T), located in coding exon 1 of the BLM gene, results from a C to T substitution at nucleotide position 59. The threonine at codon 20 is replaced by isoleucine, an amino acid with similar properties. This amino acid position is conserved. In addition, this alteration is predicted to be tolerated by in silico analysis. Since supporting evidence is limited at this time, the clinical significance of this alteration remains unclear.